The following is an entry in ClinVar:

ClinVar aggregate classification (germline): Uncertain significance (1 of 4 stars; one submission).

Conditions:
Methylcobalamin deficiency type cblG (HMAG). Also called: HOMOCYSTINURIA-MEGALOBLASTIC ANEMIA, cblG TYPE; HOMOCYSTINURIA-MEGALOBLASTIC ANEMIA, cblG COMPLEMENTATION TYPE; Functional methionine synthase deficiency type cblG; HOMOCYSTINURIA-MEGALOBLASTIC ANEMIA DUE TO DEFECT IN COBALAMIN METABOLISM, cblG COMPLEMENTATION TYPE. Identifiers: Orphanet 2170, Orphanet 622, MedGen C1855128, MONDO:0009609, OMIM 250940.

Submission:

Labcorp Genetics (formerly Invitae), Labcorp
Classification: Uncertain significance for Methylcobalamin deficiency type cblG. Last evaluated: 2024-08-05. Review status: criteria provided, single submitter. Criteria: Invitae Variant Classification Sherloc (09022015). Collection method: clinical testing. Allele origin: germline.
Comment: This sequence change replaces aspartic acid, which is acidic and polar, with tyrosine, which is neutral and polar, at codon 1084 of the MTR protein (p.Asp1084Tyr). This variant is not present in population databases (gnomAD no frequency). This missense change has been observed in individual(s) with clinical features of homocystinuria-megaloblastic anemia (Invitae). In at least one individual the data is consistent with being in trans (on the opposite chromosome) from a pathogenic variant. ClinVar contains an entry for this variant (Variation ID: 1374931). Advanced modeling of protein sequence and biophysical properties (such as structural, functional, and spatial information, amino acid conservation, physicochemical variation, residue mobility, and thermodynamic stability) performed at Invitae indicates that this missense variant is expected to disrupt MTR protein function with a positive predictive value of 80%. In summary, the available evidence is currently insufficient to determine the role of this variant in disease. Therefore, it has been classified as a Variant of Uncertain Significance.

NM_000254.3(MTR):c.3250G>T (p.Asp1084Tyr)

Gene: MTR (5-methyltetrahydrofolate-homocysteine methyltransferase; plus strand). Cytogenetic location: 1q43.
Variant type: single nucleotide variant.
Coding change: c.3250G>T on transcript NM_000254.3 (MANE Select); coding-DNA position 3250, G replaced by T.
Protein change: p.Asp1084Tyr; replaces aspartic acid 1084 with tyrosine.
Molecular consequence: missense variant.
Genome position (GRCh38, 1-based): chr1:236,894,402, G>T. VCF-style: chr1-236894402-G-T. GRCh37 (hg19) VCF-style: chr1-237057702-G-T.
Other names: c.3097G>T, p.Asp1033Tyr (NM_001291939.1); c.2029G>T, p.Asp677Tyr (NM_001291940.2); short protein forms D1084Y, D677Y, D1033Y.
Identifiers: ClinVar variation 1374931 (VCV001374931.6), dbSNP rs1666504883, ClinGen allele CA345388478.